The following is an entry in ClinVar:

ClinVar aggregate classification (germline): Uncertain significance. Review status: criteria provided, multiple submitters, no conflicts (2 of 4 stars). 2 submissions from 2 submitters: Uncertain significance (2). Last evaluated 2024-11-04.

Conditions:
Candidiasis, familial, 8 (CANDF8). Identifiers: Orphanet 1334, MedGen C3714992, MONDO:0014230, OMIM 615527.

Allele frequency attached by ClinVar (database versions not stated): gnomAD 0.00001; gnomAD exomes 0.00001; ExAC 0.00002; TOPMed 0.00002.
gnomAD v4.1: 11 of 1,613,720 alleles (0.00068%); highest among the groups gnomAD compares: Admixed American, 0.0067%; no homozygotes.

Submissions (2):

Labcorp Genetics (formerly Invitae), Labcorp
Classification: Uncertain significance for Candidiasis, familial, 8. Last evaluated: 2024-11-04. Review status: criteria provided, single submitter. Criteria: Invitae Variant Classification Sherloc (09022015). Collection method: clinical testing. Allele origin: germline.
Comment: This sequence change replaces alanine, which is neutral and non-polar, with threonine, which is neutral and polar, at codon 328 of the TRAF3IP2 protein (p.Ala328Thr). The frequency data for this variant in the population databases is considered unreliable, as metrics indicate poor data quality at this position in the gnomAD database. This variant has not been reported in the literature in individuals affected with TRAF3IP2-related conditions. ClinVar contains an entry for this variant (Variation ID: 571515). Invitae Evidence Modeling of protein sequence and biophysical properties (such as structural, functional, and spatial information, amino acid conservation, physicochemical variation, residue mobility, and thermodynamic stability) indicates that this missense variant is not expected to disrupt TRAF3IP2 protein function with a negative predictive value of 80%. In summary, the available evidence is currently insufficient to determine the role of this variant in disease. Therefore, it has been classified as a Variant of Uncertain Significance.

Ambry Genetics
Classification: Uncertain significance. Last evaluated: 2023-07-05. Review status: criteria provided, single submitter. Criteria: Ambry Variant Classification Scheme 2023. Collection method: clinical testing. Allele origin: germline.

NM_147686.4(TRAF3IP2):c.982G>A (p.Ala328Thr)

Genes: TRAF3IP2 (TRAF3 interacting protein 2; minus strand), TRAF3IP2-AS1 (TRAF3IP2 antisense RNA 1; plus strand). Cytogenetic location: 6q21.
Variant type: single nucleotide variant.
Coding change: c.982G>A on transcript NM_147686.4 (MANE Select); coding-DNA position 982, G replaced by A.
Protein change: p.Ala328Thr; replaces alanine 328 with threonine.
Molecular consequence: missense variant.
Genome position (GRCh38, 1-based): chr6:111,580,237, C>T on the plus strand (G>A on the coding strand, the complement: TRAF3IP2 is on the minus strand). VCF-style: chr6-111580237-C-T. GRCh37 (hg19) VCF-style: chr6-111901440-C-T.
Other names: c.982G>A, p.Ala328Thr (NM_001164281.3); c.1009G>A, p.Ala337Thr (NM_147200.3); c.982G>A (NM_147686.2); short protein forms A328T, A337T.
Identifiers: ClinVar variation 571515 (VCV000571515.8), dbSNP rs751906100, ClinGen allele CA3963216.